The following is an entry in ClinVar:

ClinVar aggregate classification (germline): Uncertain significance. Review status: criteria provided, multiple submitters, no conflicts (2 of 4 stars). 2 submissions from 2 submitters: Uncertain significance (2). Last evaluated 2019-07-01.

Allele frequency attached by ClinVar (database versions not stated): gnomAD exomes 0.00005 and 0.00014; ExAC 0.00019; 1000 Genomes Project 30x 0.00031; 1000 Genomes Project 0.00040; ESP Exome Variant Server 0.00062; gnomAD 0.00067 and 0.00072; TOPMed 0.00068.
gnomAD v4.1: 174 of 1,612,752 alleles (0.011%); highest among the groups gnomAD compares: African/African-American, 0.22%; no homozygotes.

Submissions (2):

GeneDx
Classification: Uncertain significance. Last evaluated: 2019-07-01. Review status: criteria provided, single submitter. Criteria: GeneDx Variant Classification Process June 2021. Collection method: clinical testing. Allele origin: germline. Affected: yes.
Comment: Occurs in the 5'-untranslated region of the PIGK gene and may affect the Kozak consensus sequence; Nucleotide substitution has no predicted effect on splicing and is not conserved across species; Has not been previously published as pathogenic or benign to our knowledge; Variants in candidate genes are classified as variants of uncertain significance in accordance with ACMG guidelines (Richards et al., 2015)

Breakthrough Genomics
Classification: Uncertain significance. Review status: criteria provided, single submitter. Criteria: ACMG Guidelines, 2015. Collection method: not provided. Allele origin: germline. Inheritance: Autosomal recessive inheritance. Affected: yes.

NM_005482.3(PIGK):c.-2A>T

Gene: PIGK (phosphatidylinositol glycan anchor biosynthesis class K; minus strand). Cytogenetic location: 1p31.1.
Variant type: single nucleotide variant.
Coding change: c.-2A>T on transcript NM_005482.3 (MANE Select); 2 bases upstream of the start codon, A replaced by T.
Molecular consequence: 5 prime UTR variant.
Genome position (GRCh38, 1-based): chr1:77,219,404, T>A on the plus strand (A>T on the coding strand, the complement: PIGK is on the minus strand). VCF-style: chr1-77219404-T-A. GRCh37 (hg19) VCF-style: chr1-77685089-T-A.
Identifiers: ClinVar variation 1306868 (VCV001306868.3), dbSNP rs146101175, ClinGen allele CA916096.